The following is an entry in ClinVar:

ClinVar aggregate classification (germline): Uncertain significance (1 of 4 stars; one submission).

Allele frequency attached by ClinVar (database versions not stated): gnomAD exomes 0.00001 and below 0.00001; ExAC 0.00001.
gnomAD v4.1: 1 of 1,190,257 alleles (0.000084%); highest among the groups gnomAD compares: Non-Finnish European, 0.00011%; no homozygotes.

Submission:

Ambry Genetics
Classification: Uncertain significance. Last evaluated: 2026-02-23. Review status: criteria provided, single submitter. Criteria: Ambry Variant Classification Scheme 2023. Collection method: clinical testing. Allele origin: germline.
Comment: The c.3053C>T (p.T1018I) alteration is located in coding exon 24 of the SMARCA1 gene. This alteration results from a C to T substitution at nucleotide position 3053, causing the threonine (T) at amino acid position 1018 to be replaced by an isoleucine (I). Based on data from gnomAD, this allele has an overall frequency of 0.001% (2/177479) total alleles studied, with 0 hemizygote(s) observed. The highest observed frequency was 0.003% (2/80384) of European (non-Finnish) alleles. This amino acid position is highly conserved in available vertebrate species. This alteration is predicted to be deleterious by in silico analysis. Based on insufficient or conflicting evidence, the clinical significance of this alteration remains unclear.

Literature cited by the submitters: PubMed 14536084.

NM_001282874.2(SMARCA1):c.3053C>T (p.Thr1018Ile)

Gene: SMARCA1 (SNF2 related chromatin remodeling ATPase 1; minus strand). Cytogenetic location: Xq25.
Variant type: single nucleotide variant.
Coding change: c.3053C>T on transcript NM_001282874.2 (MANE Select); coding-DNA position 3053, C replaced by T.
Protein change: p.Thr1018Ile; replaces threonine 1018 with isoleucine.
Molecular consequence: missense variant.
Genome position (GRCh38, 1-based): chrX:129,448,421, G>A on the plus strand (C>T on the coding strand, the complement: SMARCA1 is on the minus strand). VCF-style: chrX-129448421-G-A. GRCh37 (hg19) VCF-style: chrX-128582398-G-A.
Other names: c.3017C>T, p.Thr1006Ile (NM_001282875.2); c.3053C>T, p.Thr1018Ile (NM_003069.5); short protein forms T1018I, T1006I.
Identifiers: ClinVar variation 521996 (VCV000521996.5), dbSNP rs769981337, ClinGen allele CA10511390.